The following is an entry in ClinVar:

ClinVar aggregate classification (germline): Uncertain significance. Review status: criteria provided, single submitter (1 of 4 stars). 2 submissions from 2 submitters: Uncertain significance (1). 1 of the submissions does not count toward it.

Allele frequency attached by ClinVar (database versions not stated): TOPMed 0.00008; gnomAD 0.00013.
gnomAD v4.1: 141 of 1,592,208 alleles (0.0089%); highest among the groups gnomAD compares: Middle Eastern, 0.017%; no homozygotes.

Submissions (2):

Breakthrough Genomics
Classification: Uncertain significance. Review status: criteria provided, single submitter. Criteria: ACMG Guidelines, 2015. Collection method: not provided. Allele origin: germline. Inheritance: Unknown mechanism. Affected: yes.

Martin Pollak Laboratory,  Beth Israel Deaconess Medical Center
Classification: Uncertain significance. Review status: no assertion criteria provided. Collection method: not provided. Allele origin: unknown. Not counted in ClinVar's aggregate classification.
Comment: Higher UCa2+ group
ClinVar note: Converted during submission from unknown to Uncertain significance.

NM_001288772.2(PIK3C2G):c.1077A>T (p.Lys359Asn)

Gene: PIK3C2G (phosphatidylinositol-4-phosphate 3-kinase catalytic subunit type 2 gamma; plus strand). Cytogenetic location: 12p12.3.
Variant type: single nucleotide variant.
Coding change: c.1077A>T on transcript NM_001288772.2 (MANE Select); coding-DNA position 1077, A replaced by T.
Protein change: p.Lys359Asn; replaces lysine 359 with asparagine.
Molecular consequence: missense variant.
Genome position (GRCh38, 1-based): chr12:18,314,004, A>T. VCF-style: chr12-18314004-A-T. GRCh37 (hg19) VCF-style: chr12-18466938-A-T.
Other names: c.411A>T, p.Lys137Asn (NM_001288774.2); c.1077A>T, p.Lys359Asn (NM_004570.6); short protein forms K359N, K137N.
Identifiers: ClinVar variation 64528 (VCV000064528.3), dbSNP rs373231729, ClinGen allele CA216341.